The following is an entry in ClinVar:

ClinVar aggregate classification (germline): Uncertain significance (1 of 4 stars; one submission).

Conditions:
Mitochondrial complex II deficiency, nuclear type 1. Also called: SUCCINATE CoQ REDUCTASE DEFICIENCY. Identifiers: Orphanet 3208, MedGen C5700310, MONDO:0100294, OMIM 252011.
Pheochromocytoma/paraganglioma syndrome 5. Also called: Paragangliomas 5; SDHA-Related Hereditary Paraganglioma-Pheochromocytoma Syndrome. Identifiers: Orphanet 29072, MedGen C3279992, MONDO:0013602, OMIM 614165.

Submission:

Labcorp Genetics (formerly Invitae), Labcorp
Classification: Uncertain significance for Pheochromocytoma/paraganglioma syndrome 5; Mitochondrial complex II deficiency, nuclear type 1. Last evaluated: 2023-11-27. Review status: criteria provided, single submitter. Criteria: Invitae Variant Classification Sherloc (09022015). Collection method: clinical testing. Allele origin: germline.
Comment: This sequence change replaces methionine, which is neutral and non-polar, with isoleucine, which is neutral and non-polar, at codon 556 of the SDHA protein (p.Met556Ile). This variant is not present in population databases (gnomAD no frequency). This variant has not been reported in the literature in individuals affected with SDHA-related conditions. ClinVar contains an entry for this variant (Variation ID: 1466559). Advanced modeling of protein sequence and biophysical properties (such as structural, functional, and spatial information, amino acid conservation, physicochemical variation, residue mobility, and thermodynamic stability) performed at Invitae indicates that this missense variant is not expected to disrupt SDHA protein function with a negative predictive value of 95%. In summary, the available evidence is currently insufficient to determine the role of this variant in disease. Therefore, it has been classified as a Variant of Uncertain Significance.

NM_004168.4(SDHA):c.1668G>A (p.Met556Ile)

Gene: SDHA (succinate dehydrogenase complex flavoprotein subunit A; plus strand). Cytogenetic location: 5p15.33.
Variant type: single nucleotide variant.
Coding change: c.1668G>A on transcript NM_004168.4 (MANE Select); coding-DNA position 1668, G replaced by A.
Protein change: p.Met556Ile; replaces methionine 556 with isoleucine.
Molecular consequence: missense variant. On other transcripts: intron variant (1).
Genome position (GRCh38, 1-based): chr5:251,342, G>A. VCF-style: chr5-251342-G-A. GRCh37 (hg19) VCF-style: chr5-251457-G-A.
Other names: c.1524G>A, p.Met508Ile (NM_001294332.2); c.1552-3051G>A (NM_001330758.2); short protein forms M556I, M508I.
Identifiers: ClinVar variation 1466559 (VCV001466559.8), dbSNP rs2126633148, ClinGen allele CA358999844.